The following is an entry in ClinVar:

NM_000051.4(ATM):c.4161A>C (p.Lys1387Asn)

Gene: ATM (ATM serine/threonine kinase; plus strand). Cytogenetic location: 11q22.3.
Variant type: single nucleotide variant.
Coding change: c.4161A>C on transcript NM_000051.4 (MANE Select); coding-DNA position 4161, A replaced by C.
Protein change: p.Lys1387Asn; replaces lysine 1387 with asparagine.
Molecular consequence: missense variant.
Genome position (GRCh38, 1-based): chr11:108,289,028, A>C. VCF-style: chr11-108289028-A-C. GRCh37 (hg19) VCF-style: chr11-108159755-A-C.
Other names: c.4161A>C, p.Lys1387Asn (NM_001351834.2); short protein forms K1387N.
Identifiers: ClinVar variation 2453976 (VCV002453976.3), dbSNP rs2135751910, ClinGen allele CA382530063.

ClinVar aggregate classification (germline): Uncertain significance. Review status: criteria provided, multiple submitters, no conflicts (2 of 4 stars). 2 submissions from 2 submitters: Uncertain significance (2). Last evaluated 2025-09-21.

Conditions:
Ataxia-telangiectasia syndrome (AT). Also called: Ataxia-telangiectasia, complementation group D; AT, COMPLEMENTATION GROUP C; Cerebello-oculocutaneous telangiectasia; Immunodeficiency with ataxia telangiectasia; Ataxia-telangiectasia, complementation group E; Ataxia telangiectasia (A-T). Identifiers: Orphanet 100, MedGen C0004135, MONDO:0008840, OMIM 208900.
Hereditary cancer-predisposing syndrome. Also called: Hereditary neoplastic syndrome; Tumor predisposition; Neoplastic Syndromes, Hereditary; Hereditary Cancer Syndrome. Identifiers: Orphanet 140162, MedGen C0027672, MeSH D009386, MONDO:0015356.

Submissions (2):

Labcorp Genetics (formerly Invitae), Labcorp
Classification: Uncertain significance for Ataxia-telangiectasia syndrome. Last evaluated: 2025-09-21. Review status: criteria provided, single submitter. Criteria: Invitae Variant Classification Sherloc (09022015). Collection method: clinical testing. Allele origin: germline.
Comment: This sequence change replaces lysine, which is basic and polar, with asparagine, which is neutral and polar, at codon 1387 of the ATM protein (p.Lys1387Asn). This variant is not present in population databases (gnomAD no frequency). This variant has not been reported in the literature in individuals affected with ATM-related conditions. ClinVar contains an entry for this variant (Variation ID: 2453976). Invitae Evidence Modeling of protein sequence and biophysical properties (such as structural, functional, and spatial information, amino acid conservation, physicochemical variation, residue mobility, and thermodynamic stability) indicates that this missense variant is not expected to disrupt ATM protein function with a negative predictive value of 95%. In summary, the available evidence is currently insufficient to determine the role of this variant in disease. Therefore, it has been classified as a Variant of Uncertain Significance.

Ambry Genetics
Classification: Uncertain significance for Hereditary cancer-predisposing syndrome. Last evaluated: 2023-02-09. Review status: criteria provided, single submitter. Criteria: Ambry Variant Classification Scheme 2023. Collection method: clinical testing. Allele origin: germline.
Comment: The p.K1387N variant (also known as c.4161A>C), located in coding exon 27 of the ATM gene, results from an A to C substitution at nucleotide position 4161. The lysine at codon 1387 is replaced by asparagine, an amino acid with similar properties. This amino acid position is conserved. In addition, this alteration is predicted to be tolerated by in silico analysis. Since supporting evidence is limited at this time, the clinical significance of this alteration remains unclear.